The following is an entry in ClinVar:

ClinVar aggregate classification (germline): Uncertain significance (1 of 4 stars; one submission).

Submission:

Labcorp Genetics (formerly Invitae), Labcorp
Classification: Uncertain significance. Last evaluated: 2022-08-19. Review status: criteria provided, single submitter. Criteria: Invitae Variant Classification Sherloc (09022015). Collection method: clinical testing. Allele origin: germline.
Comment: This sequence change replaces tryptophan, which is neutral and slightly polar, with arginine, which is basic and polar, at codon 289 of the ARHGEF1 protein (p.Trp289Arg). This variant is not present in population databases (gnomAD no frequency). This variant has not been reported in the literature in individuals affected with ARHGEF1-related conditions. Algorithms developed to predict the effect of missense changes on protein structure and function are either unavailable or do not agree on the potential impact of this missense change (SIFT: "Deleterious"; PolyPhen-2: "Benign"; Align-GVGD: "Class C0"). In summary, the available evidence is currently insufficient to determine the role of this variant in disease. Therefore, it has been classified as a Variant of Uncertain Significance.

NM_004706.4(ARHGEF1):c.820T>C (p.Trp274Arg)

Gene: ARHGEF1 (Rho guanine nucleotide exchange factor 1; plus strand). Cytogenetic location: 19q13.2.
Variant type: single nucleotide variant.
Coding change: c.820T>C on transcript NM_004706.4 (MANE Select); coding-DNA position 820, T replaced by C.
Protein change: p.Trp274Arg; replaces tryptophan 274 with arginine.
Molecular consequence: missense variant. On other transcripts: non-coding transcript variant (2).
Genome position (GRCh38, 1-based): chr19:41,894,526, T>C. VCF-style: chr19-41894526-T-C. GRCh37 (hg19) VCF-style: chr19-42398599-T-C.
Other names: c.820T>C, p.Trp274Arg (NM_001396000.1, NM_001396003.1, NM_001396006.1); c.721T>C, p.Trp241Arg (NM_001396002.1, NM_001396004.1, NM_198977.2); c.865T>C, p.Trp289Arg (NM_199002.2); short protein forms W274R, W241R, W289R.
Identifiers: ClinVar variation 2016934 (VCV002016934.4), dbSNP rs1599642329, ClinGen allele CA406052676.